The following is an entry in ClinVar:

NM_001733.7(C1R):c.1038+116G>A

Gene: C1R (complement C1r; minus strand). Cytogenetic location: 12p13.31.
Variant type: single nucleotide variant.
Coding change: c.1038+116G>A on transcript NM_001733.7 (MANE Select); 116 bases into the intron after coding-DNA position 1038, G replaced by A.
Molecular consequence: intron variant.
Genome position (GRCh38, 1-based): chr12:7,088,494, C>T on the plus strand (G>A on the coding strand, the complement: C1R is on the minus strand). VCF-style: chr12-7088494-C-T. GRCh37 (hg19) VCF-style: chr12-7241090-C-T.
Other names: c.1080+116G>A (NM_001354346.2).
Identifiers: ClinVar variation 4820815 (VCV004820815.4).

ClinVar aggregate classification (germline): Likely benign (1 of 4 stars; one submission).

Submission:

CeGaT Center for Human Genetics Tuebingen
Classification: Likely benign. Last evaluated: 2026-02-01. Review status: criteria provided, single submitter. Criteria: CeGaT Center For Human Genetics Tuebingen Variant Classification Criteria Version 2. Collection method: clinical testing. Allele origin: germline. Affected: yes. Observed: 1 variant allele.
Comment: C1R: BS1